The following is an entry in ClinVar:

NM_198576.4(AGRN):c.1054C>T (p.Arg352Trp)

Gene: AGRN (agrin; plus strand). Cytogenetic location: 1p36.33.
Variant type: single nucleotide variant.
Coding change: c.1054C>T on transcript NM_198576.4 (MANE Select); coding-DNA position 1054, C replaced by T.
Protein change: p.Arg352Trp; replaces arginine 352 with tryptophan.
Molecular consequence: missense variant.
Genome position (GRCh38, 1-based): chr1:1,041,579, C>T. VCF-style: chr1-1041579-C-T. GRCh37 (hg19) VCF-style: chr1-976959-C-T.
Other names: c.1054C>T, p.Arg352Trp (NM_001305275.2); c.739C>T, p.Arg247Trp (NM_001364727.2); short protein forms R247W, R352W.
Identifiers: ClinVar variation 951782 (VCV000951782.12), dbSNP rs149868381, ClinGen allele CA507993.
Genomic context (GRCh38, chr1:1,041,579, plus strand): 5'-CGTGTGAACCCGCGCACGCGGCGCCCTGAGATGCTCCTACGGCCCGAGAGCTGCCCTGCC[C>T]GGCAGGCGCCAGTGTGTGGGGACGACGGAGTCACCTACGAAAACGACTGTGTCATGGGCC-3'
Protein context (NP_940978.2, residues 342-362): MLLRPESCPA[Arg352Trp]QAPVCGDDGV

ClinVar aggregate classification (germline): Uncertain significance. Review status: criteria provided, multiple submitters, no conflicts (2 of 4 stars). 4 submissions from 4 submitters: Uncertain significance (4). Last evaluated 2025-06-20.

Conditions:
Congenital myasthenic syndrome 8. Also called: MYASTHENIC SYNDROME, CONGENITAL, DUE TO AGRIN DEFICIENCY; Myasthenic syndrome, congenital, 8, with pre- and postsynaptic defects. Identifiers: Orphanet 590, MedGen C3808739, MONDO:0014052, OMIM 615120.
Inborn genetic diseases. Identifiers: MedGen C0950123, MeSH D030342.

Allele frequency attached by ClinVar (database versions not stated): TOPMed 0.00003; ExAC 0.00004; gnomAD 0.00004 and 0.00005; 1000 Genomes Project 30x 0.00016; ESP Exome Variant Server 0.00016.
gnomAD v4.1: 39 of 1,610,496 alleles (0.0024%); highest among the groups gnomAD compares: Non-Finnish European, 0.0031%; no homozygotes.

Submissions (4):

GeneDx
Classification: Uncertain significance. Last evaluated: 2025-06-20. Review status: criteria provided, single submitter. Criteria: GeneDx Variant Classification Process June 2021. Collection method: clinical testing. Allele origin: germline. Affected: yes.
Comment: Not observed at significant frequency in large population cohorts (gnomAD); In silico analysis supports that this missense variant has a deleterious effect on protein structure/function; Has not been previously published as pathogenic or benign to our knowledge

Blueprint Genetics
Classification: Uncertain significance. Last evaluated: 2024-03-01. Review status: criteria provided, single submitter. Criteria: ACMG Guidelines, 2015. Collection method: clinical testing. Allele origin: germline.

Labcorp Genetics (formerly Invitae), Labcorp
Classification: Uncertain significance for Congenital myasthenic syndrome 8. Last evaluated: 2024-02-17. Review status: criteria provided, single submitter. Criteria: Invitae Variant Classification Sherloc (09022015). Collection method: clinical testing. Allele origin: germline.
Comment: This sequence change replaces arginine, which is basic and polar, with tryptophan, which is neutral and slightly polar, at codon 352 of the AGRN protein (p.Arg352Trp). This variant is present in population databases (rs149868381, gnomAD 0.003%). This variant has not been reported in the literature in individuals affected with AGRN-related conditions. ClinVar contains an entry for this variant (Variation ID: 951782). An algorithm developed to predict the effect of missense changes on protein structure and function (PolyPhen-2) suggests that this variant is likely to be disruptive. In summary, the available evidence is currently insufficient to determine the role of this variant in disease. Therefore, it has been classified as a Variant of Uncertain Significance.

Ambry Genetics
Classification: Uncertain significance for Inborn genetic diseases. Last evaluated: 2022-11-17. Review status: criteria provided, single submitter. Criteria: Ambry Variant Classification Scheme 2023. Collection method: clinical testing. Allele origin: germline.